The following is an entry in ClinVar:

ClinVar aggregate classification (germline): Uncertain significance (1 of 4 stars; one submission).

Submission:

Labcorp Genetics (formerly Invitae), Labcorp
Classification: Uncertain significance. Last evaluated: 2021-09-07. Review status: criteria provided, single submitter. Criteria: Invitae Variant Classification Sherloc (09022015). Collection method: clinical testing. Allele origin: germline.
Comment: In summary, the available evidence is currently insufficient to determine the role of this variant in disease. Therefore, it has been classified as a Variant of Uncertain Significance. Algorithms developed to predict the effect of missense changes on protein structure and function output the following: SIFT: "Tolerated"; PolyPhen-2: "Benign"; Align-GVGD: "Class C0". The leucine amino acid residue is found in multiple mammalian species, which suggests that this missense change does not adversely affect protein function. This variant has not been reported in the literature in individuals affected with VCAN-related conditions. This variant is not present in population databases (ExAC no frequency). This sequence change replaces serine with leucine at codon 440 of the VCAN protein (p.Ser440Leu). The serine residue is moderately conserved and there is a large physicochemical difference between serine and leucine.

NM_004385.5(VCAN):c.1319C>T (p.Ser440Leu)

Gene: VCAN (versican; plus strand). Cytogenetic location: 5q14.3.
Variant type: single nucleotide variant.
Coding change: c.1319C>T on transcript NM_004385.5 (MANE Select); coding-DNA position 1319, C replaced by T.
Protein change: p.Ser440Leu; replaces serine 440 with leucine.
Molecular consequence: missense variant. On other transcripts: intron variant (2).
Genome position (GRCh38, 1-based): chr5:83,519,625, C>T. VCF-style: chr5-83519625-C-T. GRCh37 (hg19) VCF-style: chr5-82815444-C-T.
Other names: c.1319C>T, p.Ser440Leu (NM_001164098.2); c.1042+7229C>T (NM_001164097.2, NM_001126336.3); short protein forms S440L.
Identifiers: ClinVar variation 1426142 (VCV001426142.6), dbSNP rs2112406754, ClinGen allele CA360299859.